The following is an entry in ClinVar:

NM_173630.4(RTTN):c.1831C>T (p.Leu611=)

Gene: RTTN (rotatin; minus strand). Cytogenetic location: 18q22.2.
Variant type: single nucleotide variant.
Coding change: c.1831C>T on transcript NM_173630.4 (MANE Select); coding-DNA position 1831, C replaced by T.
Protein change: p.Leu611=; no amino-acid change (leucine 611 retained).
Molecular consequence: synonymous variant. On other transcripts: 5 prime UTR variant (1).
Genome position (GRCh38, 1-based): chr18:70,166,160, G>A on the plus strand (C>T on the coding strand, the complement: RTTN is on the minus strand). VCF-style: chr18-70166160-G-A. GRCh37 (hg19) VCF-style: chr18-67833396-G-A.
Other names: c.-817C>T (NM_001318520.2).
Identifiers: ClinVar variation 1198072 (VCV001198072.15), dbSNP rs372717287, ClinGen allele CA8996070.

ClinVar aggregate classification (germline): Likely benign. Review status: criteria provided, multiple submitters, no conflicts (2 of 4 stars). 5 submissions from 5 submitters: Likely benign (4). 1 of the submissions does not count toward it. Last evaluated 2026-05-01.

Conditions:
RTTN-related disorder. Also called: RTTN-related condition.

Allele frequency attached by ClinVar (database versions not stated): gnomAD exomes 0.00004 and 0.00008; ExAC 0.00007; ESP Exome Variant Server 0.00008; 1000 Genomes Project 30x 0.00016; 1000 Genomes Project 0.00020; gnomAD 0.00027 and 0.00029; TOPMed 0.00040.
gnomAD v4.1: 108 of 1,613,500 alleles (0.0067%); highest among the groups gnomAD compares: African/African-American, 0.075%; no homozygotes.

Submissions (5):

CeGaT Center for Human Genetics Tuebingen
Classification: Likely benign. Last evaluated: 2026-05-01. Review status: criteria provided, single submitter. Criteria: CeGaT Center For Human Genetics Tuebingen Variant Classification Criteria Version 2. Collection method: clinical testing. Allele origin: germline. Affected: yes. Observed: 1 variant allele.
Comment: RTTN: BP4, BP7

Labcorp Genetics (formerly Invitae), Labcorp
Classification: Likely benign. Last evaluated: 2025-12-06. Review status: criteria provided, single submitter. Criteria: Invitae Variant Classification Sherloc (09022015). Collection method: clinical testing. Allele origin: germline.

Blueprint Genetics
Classification: Likely benign. Last evaluated: 2024-02-12. Review status: criteria provided, single submitter. Criteria: ACMG Guidelines, 2015. Collection method: clinical testing. Allele origin: germline.

GeneDx
Classification: Likely benign. Last evaluated: 2020-02-10. Review status: criteria provided, single submitter. Criteria: GeneDx Variant Classification Process June 2021. Collection method: clinical testing. Allele origin: germline. Affected: yes.

PreventionGenetics, part of Exact Sciences
Classification: Likely benign for RTTN-related condition. Last evaluated: 2019-10-28. Review status: no assertion criteria provided. Collection method: clinical testing. Allele origin: germline. Not counted in ClinVar's aggregate classification.
Comment: This variant is classified as likely benign based on ACMG/AMP sequence variant interpretation guidelines (Richards et al. 2015 PMID: 25741868, with internal and published modifications).